The following is an entry in ClinVar:

NM_001039792.2(HRCT1):c.318_322CCA[2]CACCCCTCACCACCTCCACCACCACCACCACCACCACCACC[1] (p.His107_Arg108insHisThrProHisHisLeuHisHisHisHisHisHisHisHis)

Gene: HRCT1 (histidine rich carboxyl terminus 1; plus strand). Cytogenetic location: 9p13.3.
Variant type: Microsatellite.
Coding change: c.318_322CCA[2]CACCCCTCACCACCTCCACCACCACCACCACCACCACCACC[1] on transcript NM_001039792.2 (MANE Select).
Protein change: p.His107_Arg108insHisThrProHisHisLeuHisHisHisHisHisHisHisHis.
Molecular consequence: inframe insertion.
Genome position: GRCh38: chr9:35,906,605-35,906,609. GRCh37 (hg19): chr9:35,906,602-35,906,606.
Identifiers: ClinVar variation 2659186 (VCV002659186.24), dbSNP rs1244171385.

ClinVar aggregate classification (germline): Likely benign (1 of 4 stars; one submission).

Submission:

CeGaT Center for Human Genetics Tuebingen
Classification: Likely benign. Last evaluated: 2023-09-01. Review status: criteria provided, single submitter. Criteria: CeGaT Center For Human Genetics Tuebingen Variant Classification Criteria Version 2. Collection method: clinical testing. Allele origin: germline. Affected: yes. Observed: 2 variant alleles.
Comment: HRCT1: BS2